The following is an entry in ClinVar:

NM_000170.3(GLDC):c.1495G>A (p.Glu499Lys)

Gene: GLDC (glycine decarboxylase; minus strand). Cytogenetic location: 9p24.1.
Variant type: single nucleotide variant.
Coding change: c.1495G>A on transcript NM_000170.3 (MANE Select); coding-DNA position 1495, G replaced by A.
Protein change: p.Glu499Lys; replaces glutamic acid 499 with lysine.
Molecular consequence: missense variant.
Genome position (GRCh38, 1-based): chr9:6,589,280, C>T on the plus strand (G>A on the coding strand, the complement: GLDC is on the minus strand). VCF-style: chr9-6589280-C-T. GRCh37 (hg19) VCF-style: chr9-6589280-C-T.
Other names: short protein forms E499K.
Identifiers: ClinVar variation 2780673 (VCV002780673.3), dbSNP rs1818330684, ClinGen allele CA372893382.

ClinVar aggregate classification (germline): Uncertain significance (1 of 4 stars; one submission).

Conditions:
Glycine encephalopathy. Also called: Nonketotic hyperglycinemia; Non-ketotic hyperglycinemia. Identifiers: Orphanet 407, MedGen C0751748, MONDO:0011612, HP:0008288.

Allele frequency attached by ClinVar (database versions not stated): TOPMed below 0.00001.

Submission:

Labcorp Genetics (formerly Invitae), Labcorp
Classification: Uncertain significance for Glycine encephalopathy. Last evaluated: 2023-10-22. Review status: criteria provided, single submitter. Criteria: Invitae Variant Classification Sherloc (09022015). Collection method: clinical testing. Allele origin: germline.
Comment: This sequence change replaces glutamic acid, which is acidic and polar, with lysine, which is basic and polar, at codon 499 of the GLDC protein (p.Glu499Lys). This variant is not present in population databases (gnomAD no frequency). This variant has not been reported in the literature in individuals affected with GLDC-related conditions. Advanced modeling of protein sequence and biophysical properties (such as structural, functional, and spatial information, amino acid conservation, physicochemical variation, residue mobility, and thermodynamic stability) performed at Invitae indicates that this missense variant is not expected to disrupt GLDC protein function. In summary, the available evidence is currently insufficient to determine the role of this variant in disease. Therefore, it has been classified as a Variant of Uncertain Significance.